The following is an entry in ClinVar:

Conditions:
Long QT syndrome 5 (LQT5). Identifiers: Orphanet 101016, Orphanet 768, MedGen C1867904, MONDO:0013372, OMIM 613695.

Submission:

Roden Lab, Vanderbilt University Medical Center
No classification provided (evidence only). Condition: Long QT syndrome 5. Review status: no classification provided. Collection method: in vitro. Allele origin: not applicable. Functional consequence: Effect on ion channel function.
ClinVar note: "not provided" was previously submitted as the classification for the variant. However, the classification appeared to be based only on an observation of functional data so it was converted to no classification on 2025-07-30.

NM_000219.6(KCNE1):c.17C>G (p.Thr6Ser)

Gene: KCNE1 (potassium voltage-gated channel subfamily E regulatory subunit 1; minus strand). Cytogenetic location: 21q22.12.
Variant type: single nucleotide variant.
Coding change: c.17C>G on transcript NM_000219.6 (MANE Select); coding-DNA position 17, C replaced by G.
Protein change: p.Thr6Ser; replaces threonine 6 with serine.
Molecular consequence: missense variant.
Genome position (GRCh38, 1-based): chr21:34,449,618, G>C on the plus strand (C>G on the coding strand, the complement: KCNE1 is on the minus strand). VCF-style: chr21-34449618-G-C. GRCh37 (hg19) VCF-style: chr21-35821916-G-C.
Other names: c.17C>G, p.Thr6Ser (NM_001127668.4, NM_001127669.4, NM_001127670.4 and 4 more transcripts); short protein forms T6S.
Identifiers: ClinVar variation 3374238 (VCV003374238.2).